The following is an entry in ClinVar:

NM_001165963.4(SCN1A):c.941G>A (p.Trp314Ter)

Gene: SCN1A (sodium voltage-gated channel alpha subunit 1; minus strand). Cytogenetic location: 2q24.3.
Variant type: single nucleotide variant.
Coding change: c.941G>A on transcript NM_001165963.4 (MANE Select); coding-DNA position 941, G replaced by A.
Protein change: p.Trp314Ter; replaces tryptophan 314 with a stop codon.
Molecular consequence: nonsense. On other transcripts: 5 prime UTR variant (1), non-coding transcript variant (1).
Genome position (GRCh38, 1-based): chr2:166,051,742, C>T on the plus strand (G>A on the coding strand, the complement: SCN1A is on the minus strand). VCF-style: chr2-166051742-C-T. GRCh37 (hg19) VCF-style: chr2-166908252-C-T.
Other names: c.941G>A, p.Trp314Ter (NM_001165964.3, NM_001202435.3, NM_001353948.2 and 10 more transcripts); c.-1485G>A (NM_001353961.2); short protein forms W314*.
Identifiers: ClinVar variation 930959 (VCV000930959.3), dbSNP rs1698574524, ClinGen allele CA349072524.

ClinVar aggregate classification (germline): Likely pathogenic (1 of 4 stars; one submission).

Conditions:
Migraine, familial hemiplegic, 3. Identifiers: Orphanet 569, MedGen C1864987, MONDO:0012320, OMIM 609634.

Submission:

Centre for Mendelian Genomics, University Medical Centre Ljubljana
Classification: Likely pathogenic for Migraine, familial hemiplegic, 3. Last evaluated: 2020-03-16. Review status: criteria provided, single submitter. Criteria: ACMG Guidelines, 2015. Collection method: clinical testing. Allele origin: unknown. Affected: yes.
Comment: This variant was classified as: Likely pathogenic. The following ACMG criteria were applied in classifying this variant: PVS1,PM2.